The following is an entry in ClinVar:

NM_002519.3(NPAT):c.2360T>C (p.Val787Ala)

Gene: NPAT (nuclear protein, coactivator of histone transcription; minus strand). Cytogenetic location: 11q22.3.
Variant type: single nucleotide variant.
Coding change: c.2360T>C on transcript NM_002519.3 (MANE Select); coding-DNA position 2360, T replaced by C.
Protein change: p.Val787Ala; replaces valine 787 with alanine.
Molecular consequence: missense variant.
Genome position (GRCh38, 1-based): chr11:108,172,624, A>G on the plus strand (T>C on the coding strand, the complement: NPAT is on the minus strand). VCF-style: chr11-108172624-A-G. GRCh37 (hg19) VCF-style: chr11-108043351-A-G.
Other names: c.2360T>C, p.Val787Ala (NM_001321307.1); c.2360T>C (NM_002519.2); short protein forms V787A.
Identifiers: ClinVar variation 2992744 (VCV002992744.4), dbSNP rs2496717559, ClinGen allele CA382513144.

ClinVar aggregate classification (germline): Uncertain significance. Review status: criteria provided, multiple submitters, no conflicts (2 of 4 stars). 2 submissions from 2 submitters: Uncertain significance (2). Last evaluated 2024-06-12.

Submissions (2):

Ambry Genetics
Classification: Uncertain significance. Last evaluated: 2024-06-12. Review status: criteria provided, single submitter. Criteria: Ambry Variant Classification Scheme 2023. Collection method: clinical testing. Allele origin: germline.
Comment: The p.V787A variant (also known as c.2360T>C), located in coding exon 13 of the NPAT gene, results from a T to C substitution at nucleotide position 2360. The valine at codon 787 is replaced by alanine, an amino acid with similar properties. This amino acid position is conserved. In addition, this alteration is predicted to be tolerated by in silico analysis. Based on the available evidence, the clinical significance of this variant remains unclear.

Labcorp Genetics (formerly Invitae), Labcorp
Classification: Uncertain significance. Last evaluated: 2023-05-18. Review status: criteria provided, single submitter. Criteria: Invitae Variant Classification Sherloc (09022015). Collection method: clinical testing. Allele origin: germline.
Comment: In summary, the available evidence is currently insufficient to determine the role of this variant in disease. Therefore, it has been classified as a Variant of Uncertain Significance. Algorithms developed to predict the effect of missense changes on protein structure and function output the following: SIFT: "Not Available"; PolyPhen-2: "Benign"; Align-GVGD: "Not Available". The alanine amino acid residue is found in multiple mammalian species, which suggests that this missense change does not adversely affect protein function. This variant has not been reported in the literature in individuals affected with NPAT-related conditions. This variant is not present in population databases (gnomAD no frequency). This sequence change replaces valine, which is neutral and non-polar, with alanine, which is neutral and non-polar, at codon 787 of the NPAT protein (p.Val787Ala).